The following is an entry in ClinVar:

NM_020366.4(RPGRIP1):c.2236G>A (p.Gly746Arg)

Gene: RPGRIP1 (RPGR interacting protein 1; plus strand). Cytogenetic location: 14q11.2.
Variant type: single nucleotide variant.
Coding change: c.2236G>A on transcript NM_020366.4 (MANE Select); coding-DNA position 2236, G replaced by A.
Protein change: p.Gly746Arg; replaces glycine 746 with arginine.
Molecular consequence: missense variant. On other transcripts: intron variant (4).
Genome position (GRCh38, 1-based): chr14:21,325,252, G>A. VCF-style: chr14-21325252-G-A. GRCh37 (hg19) VCF-style: chr14-21793411-G-A.
Other names: c.1162G>A, p.Gly388Arg (NM_001377948.1); c.796+527G>A (NM_001377949.1); c.689-2371G>A (NM_001377523.1, NM_001377950.1); c.191-2371G>A (NM_001377951.1); short protein forms G388R, G746R.
Identifiers: ClinVar variation 2924681 (VCV002924681.5), dbSNP rs535695411, ClinGen allele CA7089200.

ClinVar aggregate classification (germline): Pathogenic/Likely pathogenic. Review status: criteria provided, multiple submitters, no conflicts (2 of 4 stars). 3 submissions from 3 submitters: Pathogenic (1); Likely pathogenic (2). Last evaluated 2024-09-22.

Conditions:
Leber congenital amaurosis 6 (LCA6). Identifiers: Orphanet 65, MedGen C1854260, MONDO:0013446, OMIM 613826.
Cone-rod dystrophy 13 (CORD13). Identifiers: Orphanet 1872, MedGen C2750720, MONDO:0011987, OMIM 608194.

Allele frequency attached by ClinVar (database versions not stated): gnomAD 0.00001; TOPMed 0.00001; ExAC 0.00002; 1000 Genomes Project 30x 0.00016; 1000 Genomes Project 0.00020.

Submissions (3):

Genomic Medicine Center of Excellence, King Faisal Specialist Hospital and Research Centre
Classification: Likely pathogenic for Leber congenital amaurosis 6. Last evaluated: 2024-09-22. Review status: criteria provided, single submitter. Criteria: ACMG Guidelines, 2015. Collection method: clinical testing. Allele origin: germline.

Fulgent Genetics
Classification: Likely pathogenic for Cone-rod dystrophy 13; Leber congenital amaurosis 6. Last evaluated: 2024-02-26. Review status: criteria provided, single submitter. Criteria: ACMG Guidelines, 2015. Collection method: clinical testing. Allele origin: germline.

Labcorp Genetics (formerly Invitae), Labcorp
Classification: Pathogenic for Leber congenital amaurosis 6; Cone-rod dystrophy 13. Last evaluated: 2023-11-15. Review status: criteria provided, single submitter. Criteria: Invitae Variant Classification Sherloc (09022015). Collection method: clinical testing. Allele origin: germline.
Comment: This sequence change replaces glycine, which is neutral and non-polar, with arginine, which is basic and polar, at codon 746 of the RPGRIP1 protein (p.Gly746Arg). This variant is present in population databases (rs535695411, gnomAD 0.003%). This missense change has been observed in individuals with autosomal recessive Leber congenital amaurosis (PMID: 23661368, 24997176, 26355662). Advanced modeling of protein sequence and biophysical properties (such as structural, functional, and spatial information, amino acid conservation, physicochemical variation, residue mobility, and thermodynamic stability) performed at Invitae indicates that this missense variant is expected to disrupt RPGRIP1 protein function with a positive predictive value of 80%. Algorithms developed to predict the effect of sequence changes on RNA splicing suggest that this variant may disrupt the consensus splice site. For these reasons, this variant has been classified as Pathogenic.

Literature cited by the submitters: PubMed 23661368 (cited by Labcorp Genetics (formerly Invitae), Labcorp); PubMed 24997176 (cited by Labcorp Genetics (formerly Invitae), Labcorp); PubMed 26355662 (cited by Labcorp Genetics (formerly Invitae), Labcorp).